The following is an entry in ClinVar:

ClinVar aggregate classification (germline): Uncertain significance (1 of 4 stars; one submission).

gnomAD v4.1: 1 of 1,613,984 alleles (0.000062%); highest among the groups gnomAD compares: African/African-American, 0.0013%; no homozygotes.

Submission:

Ambry Genetics
Classification: Uncertain significance. Last evaluated: 2025-10-11. Review status: criteria provided, single submitter. Criteria: Ambry Variant Classification Scheme 2023. Collection method: clinical testing. Allele origin: germline.
Comment: The p.A728T variant (also known as c.2182G>A), located in coding exon 1 of the TET2 gene, results from a G to A substitution at nucleotide position 2182. The alanine at codon 728 is replaced by threonine, an amino acid with similar properties. This amino acid position is conserved. In addition, this alteration is predicted to be tolerated by in silico analysis. Based on the available evidence, the clinical significance of this variant remains unclear.

NM_001127208.3(TET2):c.2182G>A (p.Ala728Thr)

Genes: TET2 (tet methylcytosine dioxygenase 2; plus strand), TET2-AS1 (TET2 antisense RNA 1; minus strand). Cytogenetic location: 4q24.
Variant type: single nucleotide variant.
Coding change: c.2182G>A on transcript NM_001127208.3 (MANE Select); coding-DNA position 2182, G replaced by A.
Protein change: p.Ala728Thr; replaces alanine 728 with threonine.
Molecular consequence: missense variant.
Genome position (GRCh38, 1-based): chr4:105,236,124, G>A. VCF-style: chr4-105236124-G-A. GRCh37 (hg19) VCF-style: chr4-106157281-G-A.
Other names: c.2182G>A, p.Ala728Thr (NM_017628.4); short protein forms A728T.
Identifiers: ClinVar variation 4594152 (VCV004594152.1).
Genomic context (GRCh38, chr4:105,236,124, plus strand): 5'-TCAGAGACTGAGCCATTTTCAAACTCACACCTTTTGCAACATAAGCCTCATAAACAGGCA[G>A]CACAAACACAACCATCCCAGAGTTCACATCTCCCTCAAAACCAGCAACAGCAGCAAAAAT-3'
Protein context (NP_001120680.1, residues 718-738): LLQHKPHKQA[Ala728Thr]QTQPSQSSHL